The following is an entry in ClinVar:

NM_006531.5(IFT88):c.1203C>T (p.Cys401=)

Gene: IFT88 (intraflagellar transport 88; plus strand). Cytogenetic location: 13q12.11.
Variant type: single nucleotide variant.
Coding change: c.1203C>T on transcript NM_006531.5 (MANE Select); coding-DNA position 1203, C replaced by T.
Protein change: p.Cys401=; no amino-acid change (cysteine 401 retained).
Molecular consequence: synonymous variant. On other transcripts: non-coding transcript variant (5).
Genome position (GRCh38, 1-based): chr13:20,625,753, C>T. VCF-style: chr13-20625753-C-T. GRCh37 (hg19) VCF-style: chr13-21199892-C-T.
Other names: c.1146C>T, p.Cys382= (NM_001318491.2, NM_001353575.2); c.1230C>T, p.Cys410= (NM_001318493.2, NM_001353565.2, NM_001353566.2 and 2 more transcripts); c.1203C>T, p.Cys401= (NM_001353568.2, NM_001353572.2); c.1128C>T, p.Cys376= (NM_001353569.2, NM_001353570.2, NM_001353576.2 and 1 more transcripts); c.1101C>T, p.Cys367= (NM_001353571.2, NM_001353578.2); c.1059C>T, p.Cys353= (NM_001353573.2); c.1044C>T, p.Cys348= (NM_001353574.2); c.570C>T, p.Cys190= (NM_001353579.2); and 1 more.
Identifiers: ClinVar variation 1438114 (VCV001438114.8), dbSNP rs763771455, ClinGen allele CA6905336.

ClinVar aggregate classification (germline): Likely benign. Review status: criteria provided, single submitter (1 of 4 stars). 2 submissions from 2 submitters: Likely benign (1). 1 of the submissions does not count toward it. Last evaluated 2025-08-23.

Conditions:
IFT88-related disorder. Also called: IFT88-related condition.

Allele frequency attached by ClinVar (database versions not stated): ExAC 0.00002; gnomAD exomes 0.00002; gnomAD 0.00007 and 0.00008; TOPMed 0.00011.
gnomAD v4.1: 35 of 1,593,454 alleles (0.0022%); highest among the groups gnomAD compares: Middle Eastern, 0.017%; no homozygotes.

Submissions (2):

Labcorp Genetics (formerly Invitae), Labcorp
Classification: Likely benign. Last evaluated: 2025-08-23. Review status: criteria provided, single submitter. Criteria: Invitae Variant Classification Sherloc (09022015). Collection method: clinical testing. Allele origin: germline.

PreventionGenetics, part of Exact Sciences
Classification: Likely benign for IFT88-related condition. Last evaluated: 2019-10-28. Review status: no assertion criteria provided. Collection method: clinical testing. Allele origin: germline. Not counted in ClinVar's aggregate classification.
Comment: This variant is classified as likely benign based on ACMG/AMP sequence variant interpretation guidelines (Richards et al. 2015 PMID: 25741868, with internal and published modifications).